The following is an entry in ClinVar:

NM_133510.4(RAD51B):c.259C>T (p.Leu87Phe)

Gene: RAD51B (RAD51 paralog B; plus strand). Cytogenetic location: 14q24.1.
Variant type: single nucleotide variant.
Coding change: c.259C>T on transcript NM_133510.4 (MANE Select); coding-DNA position 259, C replaced by T.
Protein change: p.Leu87Phe; replaces leucine 87 with phenylalanine.
Molecular consequence: missense variant. On other transcripts: 5 prime UTR variant (1).
Genome position (GRCh38, 1-based): chr14:67,835,140, C>T. VCF-style: chr14-67835140-C-T. GRCh37 (hg19) VCF-style: chr14-68301857-C-T.
Other names: c.259C>T, p.Leu87Phe (NM_001321809.2, NM_001321810.2, NM_001321812.1 and 6 more transcripts); c.145C>T, p.Leu49Phe (NM_001321815.1); c.-197C>T (NM_001321817.2); short protein forms L49F, L87F.
Identifiers: ClinVar variation 4824258 (VCV004824258.1).

ClinVar aggregate classification (germline): Uncertain significance (1 of 4 stars; one submission).

Submission:

Ambry Genetics
Classification: Uncertain significance. Last evaluated: 2026-02-15. Review status: criteria provided, single submitter. Criteria: Ambry Variant Classification Scheme 2023. Collection method: clinical testing. Allele origin: germline.
Comment: The p.L87F variant (also known as c.259C>T), located in coding exon 3 of the RAD51B gene, results from a C to T substitution at nucleotide position 259. The leucine at codon 87 is replaced by phenylalanine, an amino acid with highly similar properties. This amino acid position is conserved. In addition, the in silico prediction for this alteration is inconclusive. Based on the available evidence, the clinical significance of this variant remains unclear.